The following is an entry in ClinVar:

ClinVar aggregate classification (germline): Uncertain significance. Review status: criteria provided, multiple submitters, no conflicts (2 of 4 stars). 2 submissions from 2 submitters: Uncertain significance (2). Last evaluated 2025-08-09.

Conditions:
Inborn genetic diseases. Identifiers: MedGen C0950123, MeSH D030342.

Allele frequency attached by ClinVar (database versions not stated): gnomAD 0.00001; ExAC 0.00002; gnomAD exomes 0.00002; TOPMed 0.00002.
gnomAD v4.1: 23 of 1,614,104 alleles (0.0014%); highest among the groups gnomAD compares: East Asian, 0.0022%; no homozygotes.

Submissions (2):

Ambry Genetics
Classification: Uncertain significance for Inborn genetic diseases. Last evaluated: 2025-08-09. Review status: criteria provided, single submitter. Criteria: Ambry Variant Classification Scheme 2023. Collection method: clinical testing. Allele origin: germline.

Labcorp Genetics (formerly Invitae), Labcorp
Classification: Uncertain significance. Last evaluated: 2023-10-13. Review status: criteria provided, single submitter. Criteria: Invitae Variant Classification Sherloc (09022015). Collection method: clinical testing. Allele origin: germline.
Comment: This sequence change replaces tyrosine, which is neutral and polar, with cysteine, which is neutral and slightly polar, at codon 1256 of the NBAS protein (p.Tyr1256Cys). This variant is present in population databases (rs569981088, gnomAD 0.002%). This variant has not been reported in the literature in individuals affected with NBAS-related conditions. ClinVar contains an entry for this variant (Variation ID: 1949192). Advanced modeling of protein sequence and biophysical properties (such as structural, functional, and spatial information, amino acid conservation, physicochemical variation, residue mobility, and thermodynamic stability) performed at Invitae indicates that this missense variant is not expected to disrupt NBAS protein function. In summary, the available evidence is currently insufficient to determine the role of this variant in disease. Therefore, it has been classified as a Variant of Uncertain Significance.

NM_015909.4(NBAS):c.3767A>G (p.Tyr1256Cys)

Gene: NBAS (NBAS subunit of NRZ tethering complex; minus strand). Cytogenetic location: 2p24.3.
Variant type: single nucleotide variant.
Coding change: c.3767A>G on transcript NM_015909.4 (MANE Select); coding-DNA position 3767, A replaced by G.
Protein change: p.Tyr1256Cys; replaces tyrosine 1256 with cysteine.
Molecular consequence: missense variant. On other transcripts: non-coding transcript variant (1).
Genome position (GRCh38, 1-based): chr2:15,366,630, T>C on the plus strand (A>G on the coding strand, the complement: NBAS is on the minus strand). VCF-style: chr2-15366630-T-C. GRCh37 (hg19) VCF-style: chr2-15506754-T-C.
Other names: c.3767A>G (NM_015909.2); short protein forms Y1256C.
Identifiers: ClinVar variation 1949192 (VCV001949192.5), dbSNP rs569981088, ClinGen allele CA1535917.